The following is an entry in ClinVar:

ClinVar aggregate classification (germline): Uncertain significance. Review status: criteria provided, multiple submitters, no conflicts (2 of 4 stars). 2 submissions from 2 submitters: Uncertain significance (2). Last evaluated 2025-11-20.

Conditions:
Inborn genetic diseases. Identifiers: MedGen C0950123, MeSH D030342.
Galactosylceramide beta-galactosidase deficiency. Also called: Krabbe Disease; Leukodystrophy, Globoid Cell; GALACTOCEREBROSIDASE DEFICIENCY; GALC DEFICIENCY; GLOBOID CELL LEUKOENCEPHALOPATHY. Identifiers: Orphanet 487, MedGen C0023521, MONDO:0009499, OMIM 245200.

Submissions (2):

Ambry Genetics
Classification: Uncertain significance for Inborn genetic diseases. Last evaluated: 2025-11-20. Review status: criteria provided, single submitter. Criteria: Ambry Variant Classification Scheme 2023. Collection method: clinical testing. Allele origin: germline.

Labcorp Genetics (formerly Invitae), Labcorp
Classification: Uncertain significance for Galactosylceramide beta-galactosidase deficiency. Last evaluated: 2021-12-15. Review status: criteria provided, single submitter. Criteria: Invitae Variant Classification Sherloc (09022015). Collection method: clinical testing. Allele origin: germline.
Comment: This sequence change replaces threonine, which is neutral and polar, with alanine, which is neutral and non-polar, at codon 360 of the GALC protein (p.Thr360Ala). This variant is not present in population databases (gnomAD no frequency). In summary, the available evidence is currently insufficient to determine the role of this variant in disease. Therefore, it has been classified as a Variant of Uncertain Significance. This variant has not been reported in the literature in individuals affected with GALC-related conditions. Advanced modeling of protein sequence and biophysical properties (such as structural, functional, and spatial information, amino acid conservation, physicochemical variation, residue mobility, and thermodynamic stability) performed at Invitae indicates that this missense variant is not expected to disrupt GALC protein function.

NM_000153.4(GALC):c.1078A>G (p.Thr360Ala)

Gene: GALC (galactosylceramidase; minus strand). Cytogenetic location: 14q31.3.
Variant type: single nucleotide variant.
Coding change: c.1078A>G on transcript NM_000153.4 (MANE Select); coding-DNA position 1078, A replaced by G.
Protein change: p.Thr360Ala; replaces threonine 360 with alanine.
Molecular consequence: missense variant.
Genome position (GRCh38, 1-based): chr14:87,963,467, T>C on the plus strand (A>G on the coding strand, the complement: GALC is on the minus strand). VCF-style: chr14-87963467-T-C. GRCh37 (hg19) VCF-style: chr14-88429811-T-C.
Other names: c.1009A>G, p.Thr337Ala (NM_001201401.2); c.1000A>G, p.Thr334Ala (NM_001201402.2); c.1078A>G (NM_000153.3); short protein forms T360A, T337A, T334A.
Identifiers: ClinVar variation 1386554 (VCV001386554.7), dbSNP rs1298443144, ClinGen allele CA390747290.